The following is an entry in ClinVar:

ClinVar aggregate classification (germline): Uncertain significance. Review status: criteria provided, multiple submitters, no conflicts (2 of 4 stars). 2 submissions from 2 submitters: Uncertain significance (2). Last evaluated 2024-09-04.

Allele frequency attached by ClinVar (database versions not stated): ExAC 0.00002; gnomAD 0.00003.
gnomAD v4.1: 45 of 1,613,964 alleles (0.0028%); highest among the groups gnomAD compares: South Asian, 0.046%; no homozygotes.

Submissions (2):

GeneDx
Classification: Uncertain significance. Last evaluated: 2024-09-04. Review status: criteria provided, single submitter. Criteria: GeneDx Variant Classification Process June 2021. Collection method: clinical testing. Allele origin: germline. Affected: yes.
Comment: In silico analysis indicates that this missense variant does not alter protein structure/function; Has not been previously published as pathogenic or benign to our knowledge

Ambry Genetics
Classification: Uncertain significance. Last evaluated: 2023-08-22. Review status: criteria provided, single submitter. Criteria: Ambry Variant Classification Scheme 2023. Collection method: clinical testing. Allele origin: germline.

NM_012232.6(CAVIN1):c.943G>A (p.Val315Ile)

Gene: CAVIN1 (caveolae associated protein 1; minus strand). Cytogenetic location: 17q21.2.
Variant type: single nucleotide variant.
Coding change: c.943G>A on transcript NM_012232.6 (MANE Select); coding-DNA position 943, G replaced by A.
Protein change: p.Val315Ile; replaces valine 315 with isoleucine.
Molecular consequence: missense variant.
Genome position (GRCh38, 1-based): chr17:42,404,917, C>T on the plus strand (G>A on the coding strand, the complement: CAVIN1 is on the minus strand). VCF-style: chr17-42404917-C-T. GRCh37 (hg19) VCF-style: chr17-40556935-C-T.
Other names: short protein forms V315I.
Identifiers: ClinVar variation 2601884 (VCV002601884.3), dbSNP rs756338972, ClinGen allele CA8575773.